The following is an entry in ClinVar:

ClinVar aggregate classification (germline): Benign/Likely benign. Review status: criteria provided, multiple submitters, no conflicts (2 of 4 stars). 9 submissions from 9 submitters: Benign (7); Likely benign (2). Last evaluated 2026-02-03.

Conditions:
Developmental and epileptic encephalopathy, 36 (DEE36). Also called: Congenital disorder of glycosylation, type Is; Epileptic encephalopathy, early infantile, 36; ALG13-CDG. Identifiers: Orphanet 324422, MedGen C4317295, MONDO:0010472, OMIM 300884.
Inborn genetic diseases. Identifiers: MedGen C0950123, MeSH D030342.

Allele frequency attached by ClinVar (database versions not stated): gnomAD exomes 0.00063 and 0.00151; ExAC 0.00328; ESP Exome Variant Server 0.00571; gnomAD 0.00610 and 0.00643; TOPMed 0.00639; 1000 Genomes Project 0.00662; 1000 Genomes Project 30x 0.00749.
gnomAD v4.1: 1,355 of 1,168,749 alleles (0.12%); highest among the groups gnomAD compares: African/African-American, 2%; 5 homozygotes.

Submissions (9):

Labcorp Genetics (formerly Invitae), Labcorp
Classification: Benign for Developmental and epileptic encephalopathy, 36. Last evaluated: 2026-02-03. Review status: criteria provided, single submitter. Criteria: Invitae Variant Classification Sherloc (09022015). Collection method: clinical testing. Allele origin: germline.

Blueprint Genetics
Classification: Likely benign. Last evaluated: 2024-11-13. Review status: criteria provided, single submitter. Criteria: ACMG Guidelines, 2015. Collection method: clinical testing. Allele origin: germline.

ARUP Laboratories, Molecular Genetics and Genomics, ARUP Laboratories
Classification: Benign for Developmental and epileptic encephalopathy, 36. Last evaluated: 2024-06-28. Review status: criteria provided, single submitter. Criteria: ARUP Molecular Germline Variant Investigation Process 2024. Collection method: clinical testing. Allele origin: germline.

Genome-Nilou Lab
Classification: Benign for Developmental and epileptic encephalopathy, 36. Last evaluated: 2021-12-05. Review status: criteria provided, single submitter. Criteria: ACMG Guidelines, 2015. Collection method: clinical testing. Allele origin: germline. Affected: no.

Fulgent Genetics
Classification: Likely benign for Developmental and epileptic encephalopathy, 36. Last evaluated: 2021-08-02. Review status: criteria provided, single submitter. Criteria: ACMG Guidelines, 2015. Collection method: clinical testing. Allele origin: unknown.

Athena Diagnostics
Classification: Benign. Last evaluated: 2017-12-08. Review status: criteria provided, single submitter. Criteria: Athena Diagnostics Criteria. Collection method: clinical testing. Allele origin: germline.

Ambry Genetics
Classification: Benign for Inborn genetic diseases. Last evaluated: 2016-05-02. Review status: criteria provided, single submitter. Criteria: Ambry Variant Classification Scheme 2023. Collection method: clinical testing. Allele origin: germline.

GeneDx
Classification: Benign. Last evaluated: 2016-04-06. Review status: criteria provided, single submitter. Criteria: GeneDx Variant Classification (06012015). Collection method: clinical testing. Allele origin: germline. Affected: yes.
Comment: This variant is considered likely benign or benign based on one or more of the following criteria: it is a conservative change, it occurs at a poorly conserved position in the protein, it is predicted to be benign by multiple in silico algorithms, and/or has population frequency not consistent with disease.

Breakthrough Genomics
Classification: Benign. Review status: criteria provided, single submitter. Criteria: ACMG Guidelines, 2015. Collection method: not provided. Allele origin: germline. Inheritance: X-linked inheritance. Affected: yes.

NM_001099922.3(ALG13):c.1152G>A (p.Ala384=)

Gene: ALG13 (ALG13 UDP-N-acetylglucosaminyltransferase subunit; plus strand). Cytogenetic location: Xq23.
Variant type: single nucleotide variant.
Coding change: c.1152G>A on transcript NM_001099922.3 (MANE Select); coding-DNA position 1152, G replaced by A.
Protein change: p.Ala384=; no amino-acid change (alanine 384 retained).
Molecular consequence: synonymous variant. On other transcripts: non-coding transcript variant (1).
Genome position (GRCh38, 1-based): chrX:111,718,176, G>A. VCF-style: chrX-111718176-G-A. GRCh37 (hg19) VCF-style: chrX-110961404-G-A.
Other names: c.840G>A, p.Ala280= (NM_001257230.2, NM_001257234.2, NM_001257237.2 and 1 more transcripts); c.918G>A, p.Ala306= (NM_001257231.2); c.1152G>A, p.Ala384= (NM_001324292.2).
Identifiers: ClinVar variation 382137 (VCV000382137.22), dbSNP rs145353928, ClinGen allele CA10493669.
Genomic context (GRCh38, chrX:111,718,176, plus strand): 5'-ATTGTACGAAATTCTCTATAAAGATGTGTTTGTTGTGGATGAAGAAGAGTTGAAGACTGC[G>A]ATTAAATTGTTTCGAAGTGGTTCTAAGAAGAACAGAAATAATGCTGTAACTGGAAGCGAG-3'
Protein context (NP_001093392.1, residues 374-394): FVVDEEELKT[Ala384=]IKLFRSGSKK